The following is an entry in ClinVar:

ClinVar aggregate classification (germline): Benign. Review status: criteria provided, multiple submitters, no conflicts (2 of 4 stars). 3 submissions from 3 submitters: Benign (3). Last evaluated 2018-11-12.

Allele frequency attached by ClinVar (database versions not stated): ESP Exome Variant Server 0.43717; TOPMed 0.46989; gnomAD 0.48075; 1000 Genomes Project 30x 0.48657; 1000 Genomes Project 0.49401.
gnomAD v4.1: 763,009 of 1,599,462 alleles (48%); highest among the groups gnomAD compares: East Asian, 70%; 187,111 homozygotes.

Submissions (3):

GeneDx
Classification: Benign. Last evaluated: 2018-11-12. Review status: criteria provided, single submitter. Criteria: GeneDx Variant Classification Process June 2021. Collection method: clinical testing. Allele origin: germline. Affected: yes.

Laboratory for Molecular Medicine, Mass General Brigham Personalized Medicine
Classification: Benign. Last evaluated: 2016-03-28. Review status: criteria provided, single submitter. Criteria: LMM Criteria. Collection method: clinical testing. Allele origin: germline.
Comment: Variant identified in a genome or exome case(s) and assessed due to predicted null impact of the variant or pathogenic assertions in the literature or databases. Disclaimer: This variant has not undergone full assessment. The following are preliminary notes: Frequency

Breakthrough Genomics
Classification: Benign. Review status: criteria provided, single submitter. Criteria: ACMG Guidelines, 2015. Collection method: not provided. Allele origin: germline. Inheritance: Autosomal dominant inheritance. Affected: yes.

NM_002458.3(MUC5B):c.10403G>C (p.Arg3468Pro)

Genes: MUC5B (mucin 5B, oligomeric mucus/gel-forming; plus strand), MUC5B-AS1 (MUC5B antisense RNA 1; minus strand). Cytogenetic location: 11p15.5.
Variant type: single nucleotide variant.
Coding change: c.10403G>C on transcript NM_002458.3 (MANE Select); coding-DNA position 10403, G replaced by C.
Protein change: p.Arg3468Pro; replaces arginine 3468 with proline.
Molecular consequence: missense variant.
Genome position (GRCh38, 1-based): chr11:1,247,283, G>C. VCF-style: chr11-1247283-G-C. GRCh37 (hg19) VCF-style: chr11-1268513-G-C.
Other names: short protein forms R3468P.
Identifiers: ClinVar variation 403161 (VCV000403161.7), dbSNP rs2943529, ClinGen allele CA5807331.
Genomic context (GRCh38, chr11:1,247,283, plus strand): 5'-CGAACACCACGGCCACCACACACGGGCGGTCCCTGCCCCCCAGCAGTCCCCACACGGTGC[G>C]CACAGCCTGGACTTCGGCCACCTCGGGCATCTTGGGCACCACCCACATCACAGAGCCTTC-3'
Protein context (NP_002449.2, residues 3458-3478): SLPPSSPHTV[Arg3468Pro]TAWTSATSGI